The following is an entry in ClinVar:

NM_173494.2(DNAAF6):c.154-3C>G

Gene: DNAAF6 (dynein axonemal assembly factor 6; plus strand). Cytogenetic location: Xq22.3.
Variant type: single nucleotide variant.
Coding change: c.154-3C>G on transcript NM_173494.2 (MANE Select); 3 bases into the intron before coding-DNA position 154, C replaced by G.
Molecular consequence: intron variant.
Genome position (GRCh38, 1-based): chrX:107,216,668, C>G. VCF-style: chrX-107216668-C-G. GRCh37 (hg19) VCF-style: chrX-106459898-C-G.
Other names: c.154-3C>G (NM_001169154.2).
Identifiers: ClinVar variation 2047953 (VCV002047953.4), dbSNP rs2522789813, ClinGen allele CA2579672547.
Genomic context (GRCh38, chrX:107,216,668, plus strand): 5'-CACTAGTCATATAGGTTATACAAGTATTAATTACAGAATATTGAACTTTTTCTCCTCCCT[C>G]AGACAAATGGTTTATCTACTATTGGAGCCATGGGTCCTGGGAATATTGGACCACCCCAAA-3'

ClinVar aggregate classification (germline): Uncertain significance (1 of 4 stars; one submission).

Submission:

Labcorp Genetics (formerly Invitae), Labcorp
Classification: Uncertain significance. Last evaluated: 2022-05-04. Review status: criteria provided, single submitter. Criteria: Invitae Variant Classification Sherloc (09022015). Collection method: clinical testing. Allele origin: germline.
Comment: This sequence change falls in intron 3 of the PIH1D3 gene. It does not directly change the encoded amino acid sequence of the PIH1D3 protein. It affects a nucleotide within the consensus splice site. This variant is not present in population databases (gnomAD no frequency). This variant has not been reported in the literature in individuals affected with PIH1D3-related conditions. Variants that disrupt the consensus splice site are a relatively common cause of aberrant splicing (PMID: 17576681, 9536098). Algorithms developed to predict the effect of sequence changes on RNA splicing suggest that this variant may disrupt the consensus splice site. In summary, the available evidence is currently insufficient to determine the role of this variant in disease. Therefore, it has been classified as a Variant of Uncertain Significance.

Literature cited by the submitters: PubMed 17576681; PubMed 9536098.